The following is an entry in ClinVar:

ClinVar aggregate classification (germline): Uncertain significance (1 of 4 stars; one submission).

gnomAD v4.1: 1 of 1,181,453 alleles (0.000085%); highest among the groups gnomAD compares: African/African-American, 0.0017%; no homozygotes.

Submission:

Labcorp Genetics (formerly Invitae), Labcorp
Classification: Uncertain significance. Last evaluated: 2025-12-15. Review status: criteria provided, single submitter. Criteria: Invitae Variant Classification Sherloc (09022015). Collection method: clinical testing. Allele origin: germline.
Comment: This sequence change replaces tryptophan, which is neutral and slightly polar, with glycine, which is neutral and non-polar, at codon 260 of the CFP protein (p.Trp260Gly). This variant is present in population databases (no rsID available, gnomAD 0.01%). This variant has not been reported in the literature in individuals affected with CFP-related conditions. Invitae Evidence Modeling of protein sequence and biophysical properties (such as structural, functional, and spatial information, amino acid conservation, physicochemical variation, residue mobility, and thermodynamic stability) indicates that this missense variant is expected to disrupt CFP protein function with a positive predictive value of 80%. In summary, the available evidence is currently insufficient to determine the role of this variant in disease. Therefore, it has been classified as a Variant of Uncertain Significance.

NM_001145252.3(CFP):c.778T>G (p.Trp260Gly)

Gene: CFP (complement factor properdin; minus strand). Cytogenetic location: Xp11.23.
Variant type: single nucleotide variant.
Coding change: c.778T>G on transcript NM_001145252.3 (MANE Select); coding-DNA position 778, T replaced by G.
Protein change: p.Trp260Gly; replaces tryptophan 260 with glycine.
Molecular consequence: missense variant.
Genome position (GRCh38, 1-based): chrX:47,626,935, A>C on the plus strand (T>G on the coding strand, the complement: CFP is on the minus strand). VCF-style: chrX-47626935-A-C. GRCh37 (hg19) VCF-style: chrX-47486334-A-C.
Other names: c.778T>G, p.Trp260Gly (NM_002621.2); short protein forms W260G.
Identifiers: ClinVar variation 4799374 (VCV004799374.1).